The following is an entry in ClinVar:

ClinVar aggregate classification (germline): Uncertain significance (1 of 4 stars; one submission).

Conditions:
Mucopolysaccharidosis type 7 (MPS7). Also called: SLY SYNDROME; BETA-GLUCURONIDASE DEFICIENCY; GUSB DEFICIENCY; MPS VII. Identifiers: Orphanet 584, MedGen C0085132, MONDO:0009662, OMIM 253220.

Submission:

Labcorp Genetics (formerly Invitae), Labcorp
Classification: Uncertain significance for Mucopolysaccharidosis type 7. Last evaluated: 2021-03-31. Review status: criteria provided, single submitter. Criteria: Invitae Variant Classification Sherloc (09022015). Collection method: clinical testing. Allele origin: germline.
Comment: In summary, the available evidence is currently insufficient to determine the role of this variant in disease. Therefore, it has been classified as a Variant of Uncertain Significance. Algorithms developed to predict the effect of missense changes on protein structure and function (SIFT, PolyPhen-2, Align-GVGD) all suggest that this variant is likely to be tolerated, but these predictions have not been confirmed by published functional studies and their clinical significance is uncertain. This variant has not been reported in the literature in individuals with GUSB-related conditions. This variant is not present in population databases (ExAC no frequency). This sequence change replaces methionine with leucine at codon 430 of the GUSB protein (p.Met430Leu). The methionine residue is highly conserved and there is a small physicochemical difference between methionine and leucine.

NM_000181.4(GUSB):c.1288A>C (p.Met430Leu)

Gene: GUSB (glucuronidase beta; minus strand). Cytogenetic location: 7q11.21.
Variant type: single nucleotide variant.
Coding change: c.1288A>C on transcript NM_000181.4 (MANE Select); coding-DNA position 1288, A replaced by C.
Protein change: p.Met430Leu; replaces methionine 430 with leucine.
Molecular consequence: missense variant. On other transcripts: non-coding transcript variant (1).
Genome position (GRCh38, 1-based): chr7:65,974,398, T>G on the plus strand (A>C on the coding strand, the complement: GUSB is on the minus strand). VCF-style: chr7-65974398-T-G. GRCh37 (hg19) VCF-style: chr7-65439385-T-G.
Other names: c.850A>C, p.Met284Leu (NM_001284290.2); c.718A>C, p.Met240Leu (NM_001293104.2); c.631A>C, p.Met211Leu (NM_001293105.2); short protein forms M211L, M240L, M284L, M430L.
Identifiers: ClinVar variation 1383615 (VCV001383615.8), dbSNP rs768428238, ClinGen allele CA367643678.